The following is an entry in ClinVar:

NM_004656.4(BAP1):c.959dup (p.Cys320fs)

Gene: BAP1 (BRCA1 associated deubiquitinase 1; minus strand). Cytogenetic location: 3p21.1.
Variant type: Duplication.
Coding change: c.959dup on transcript NM_004656.4 (MANE Select); coding-DNA position 959, one base duplicated (G; older notation c.959dupG).
Protein change: p.Cys320fs; shifts the reading frame from cysteine 320.
Molecular consequence: frameshift variant.
Genome position (GRCh38, 1-based): chr3:52,405,267, C duplicated on the plus strand (G on the coding strand, the reverse complement: BAP1 is on the minus strand). VCF-style (leftmost placement, unchanged base first): chr3-52405266-G-GC. GRCh37 (hg19) VCF-style: chr3-52439282-G-GC.
Other names: c.959dup (NM_004656.3); short protein forms C320fs.
Identifiers: ClinVar variation 661010 (VCV000661010.9), dbSNP rs1578223503, ClinGen allele CA915942495.

ClinVar aggregate classification (germline): Pathogenic. Review status: criteria provided, multiple submitters, no conflicts (2 of 4 stars). 2 submissions from 2 submitters: Pathogenic (2). Last evaluated 2023-12-19.

Conditions:
BAP1-related tumor predisposition syndrome (TPDS1). Also called: Tumor susceptibility linked to germline BAP1 mutations; BAP1 tumor predisposition syndrome; COMMON Syndrome; TUMOR PREDISPOSITION SYNDROME 1. Identifiers: Orphanet 289539, MedGen C3280492, MONDO:0013692, OMIM 614327.

Submissions (2):

Myriad Genetics, Inc.
Classification: Pathogenic for BAP1-related tumor predisposition syndrome. Last evaluated: 2023-12-19. Review status: criteria provided, single submitter. Criteria: Myriad Autosomal Dominant, Autosomal Recessive and X-Linked Classification Criteria (2023). Collection method: clinical testing. Allele origin: unknown.
Comment: This variant is considered pathogenic. This variant creates a frameshift predicted to result in premature protein truncation.

Labcorp Genetics (formerly Invitae), Labcorp
Classification: Pathogenic for BAP1-related tumor predisposition syndrome. Last evaluated: 2023-11-14. Review status: criteria provided, single submitter. Criteria: Invitae Variant Classification Sherloc (09022015). Collection method: clinical testing. Allele origin: germline.
Comment: This sequence change creates a premature translational stop signal (p.Cys320Trpfs*78) in the BAP1 gene. It is expected to result in an absent or disrupted protein product. Loss-of-function variants in BAP1 are known to be pathogenic (PMID: 21874000, 23684012). This variant is not present in population databases (gnomAD no frequency). This premature translational stop signal has been observed in individual(s) with colorectal cancer (PMID: 29478780). ClinVar contains an entry for this variant (Variation ID: 661010). For these reasons, this variant has been classified as Pathogenic.

Literature cited by the submitters: PubMed 21874000 (cited by Labcorp Genetics (formerly Invitae), Labcorp); PubMed 23684012 (cited by Labcorp Genetics (formerly Invitae), Labcorp); PubMed 29478780 (cited by Labcorp Genetics (formerly Invitae), Labcorp).